The following is an entry in ClinVar:

NM_153240.5(NPHP3):c.2948G>A (p.Arg983Lys)

Genes: NPHP3-ACAD11 (NPHP3-ACAD11 readthrough (NMD candidate); minus strand), NPHP3 (nephrocystin 3; minus strand). Cytogenetic location: 3q22.1.
Variant type: single nucleotide variant.
Coding change: c.2948G>A on transcript NM_153240.5 (MANE Select); coding-DNA position 2948, G replaced by A.
Protein change: p.Arg983Lys; replaces arginine 983 with lysine.
Molecular consequence: missense variant. On other transcripts: non-coding transcript variant (1).
Genome position (GRCh38, 1-based): chr3:132,688,827, C>T on the plus strand (G>A on the coding strand, the complement: NPHP3 is on the minus strand). VCF-style: chr3-132688827-C-T. GRCh37 (hg19) VCF-style: chr3-132407671-C-T.
Other names: c.2948G>A (NM_153240.4); short protein forms R983K.
Identifiers: ClinVar variation 597237 (VCV000597237.8), dbSNP rs909410608, ClinGen allele CA83584810.

ClinVar aggregate classification (germline): Uncertain significance. Review status: criteria provided, multiple submitters, no conflicts (2 of 4 stars). 4 submissions from 4 submitters: Uncertain significance (4). Last evaluated 2025-10-28.

Conditions:
NPHP3-related disorder. Also called: NPHP3-related disorders; NPHP3-related condition. Identifiers: MedGen CN379163.
Nephronophthisis. Also called: Juvenile Nephronophthisis. Identifiers: Orphanet 655, MedGen C0687120, MONDO:0019005, HP:0000090.
Inborn genetic diseases. Identifiers: MedGen C0950123, MeSH D030342.

Allele frequency attached by ClinVar (database versions not stated): gnomAD exomes below 0.00001 and 0.00001; gnomAD 0.00001; TOPMed 0.00002.
gnomAD v4.1: 17 of 1,613,962 alleles (0.0011%); highest among the groups gnomAD compares: Non-Finnish European, 0.0014%; no homozygotes.

Submissions (4):

PreventionGenetics, part of Exact Sciences
Classification: Uncertain significance for NPHP3-related condition. Last evaluated: 2025-10-28. Review status: criteria provided, single submitter. Criteria: ACMG Guidelines, 2015. Collection method: clinical testing. Allele origin: germline.
Comment: The NPHP3 c.2948G>A variant is predicted to result in the amino acid substitution p.Arg983Lys. To our knowledge, this variant has not been reported in the literature. This variant is reported in 0.0016% of alleles in individuals of European (Non-Finnish) descent in gnomAD. At this time, the clinical significance of this variant is uncertain due to the absence of conclusive functional and genetic evidence.

Ambry Genetics
Classification: Uncertain significance for Inborn genetic diseases. Last evaluated: 2025-01-22. Review status: criteria provided, single submitter. Criteria: Ambry Variant Classification Scheme 2023. Collection method: clinical testing. Allele origin: germline.

Labcorp Genetics (formerly Invitae), Labcorp
Classification: Uncertain significance for Nephronophthisis. Last evaluated: 2022-08-21. Review status: criteria provided, single submitter. Criteria: Invitae Variant Classification Sherloc (09022015). Collection method: clinical testing. Allele origin: germline.
Comment: This sequence change replaces arginine, which is basic and polar, with lysine, which is basic and polar, at codon 983 of the NPHP3 protein (p.Arg983Lys). This variant is present in population databases (no rsID available, gnomAD 0.002%). This variant has not been reported in the literature in individuals affected with NPHP3-related conditions. ClinVar contains an entry for this variant (Variation ID: 597237). Algorithms developed to predict the effect of missense changes on protein structure and function (SIFT, PolyPhen-2, Align-GVGD) all suggest that this variant is likely to be tolerated. In summary, the available evidence is currently insufficient to determine the role of this variant in disease. Therefore, it has been classified as a Variant of Uncertain Significance.

Eurofins Ntd Llc (ga)
Classification: Uncertain significance. Last evaluated: 2018-05-14. Review status: criteria provided, single submitter. Criteria: EGL ClinVar v180209 classification definitions. Collection method: clinical testing. Allele origin: germline. Observed: 1 variant allele, 1 heterozygote.